The following is an entry in ClinVar:

NM_000321.3(RB1):c.2161T>C (p.Phe721Leu)

Gene: RB1 (RB transcriptional corepressor 1; plus strand). Cytogenetic location: 13q14.2.
Variant type: single nucleotide variant.
Coding change: c.2161T>C on transcript NM_000321.3 (MANE Select); coding-DNA position 2161, T replaced by C.
Protein change: p.Phe721Leu; replaces phenylalanine 721 with leucine.
Molecular consequence: missense variant.
Genome position (GRCh38, 1-based): chr13:48,463,785, T>C. VCF-style: chr13-48463785-T-C. GRCh37 (hg19) VCF-style: chr13-49037921-T-C.
Other names: c.2161T>C, p.Phe721Leu (NM_001407165.1); short protein forms F721L.
Identifiers: ClinVar variation 3645913 (VCV003645913.2).

ClinVar aggregate classification (germline): Uncertain significance (1 of 4 stars; one submission).

Conditions:
Retinoblastoma (RB1). Also called: RETINOBLASTOMA, SOMATIC. Identifiers: Orphanet 790, MedGen C0035335, MeSH D012175, MONDO:0008380, OMIM 180200, HP:0009919. Disease mechanism: loss of function. Inheritance: Both sporadic and heritable forms are tested..

Submission:

Labcorp Genetics (formerly Invitae), Labcorp
Classification: Uncertain significance for Retinoblastoma. Last evaluated: 2024-03-14. Review status: criteria provided, single submitter. Criteria: Invitae Variant Classification Sherloc (09022015). Collection method: clinical testing. Allele origin: germline.
Comment: This sequence change replaces phenylalanine, which is neutral and non-polar, with leucine, which is neutral and non-polar, at codon 721 of the RB1 protein (p.Phe721Leu). This variant is not present in population databases (gnomAD no frequency). This variant has not been reported in the literature in individuals affected with RB1-related conditions. Advanced modeling of protein sequence and biophysical properties (such as structural, functional, and spatial information, amino acid conservation, physicochemical variation, residue mobility, and thermodynamic stability) performed at Invitae indicates that this missense variant is expected to disrupt RB1 protein function with a positive predictive value of 80%. In summary, the available evidence is currently insufficient to determine the role of this variant in disease. Therefore, it has been classified as a Variant of Uncertain Significance.